The following is an entry in ClinVar:

NM_152443.3(RDH12):c.715dup (p.Arg239fs)

Genes: GPHN (gephyrin; plus strand), RDH12 (retinol dehydrogenase 12; plus strand), ZFYVE26 (zinc finger FYVE-type containing 26; minus strand). Cytogenetic location: 14q24.1.
Variant type: Duplication.
Coding change: c.715dup on transcript NM_152443.3 (MANE Select); coding-DNA position 715, one base duplicated (C; older notation c.715dupC).
Protein change: p.Arg239fs; shifts the reading frame from arginine 239.
Molecular consequence: frameshift variant.
Genome position (GRCh38, 1-based): chr14:67,729,247, C duplicated; the last of 2 consecutive C bases (chr14:67,729,246-67,729,247); duplicating either gives the same sequence. VCF-style (leftmost placement, unchanged base first): chr14-67729245-T-TC. GRCh37 (hg19) VCF-style: chr14-68195962-T-TC.
Other names: short protein forms R239fs.
Identifiers: ClinVar variation 865754 (VCV000865754.12), dbSNP rs760813820, ClinGen allele CA7238801.

ClinVar aggregate classification (germline): Pathogenic. Review status: criteria provided, multiple submitters, no conflicts (2 of 4 stars). 3 submissions from 3 submitters: Pathogenic (3). Last evaluated 2024-01-23.

Conditions:
Leber congenital amaurosis 13 (LCA13). Identifiers: MedGen C2675186, MONDO:0012990, OMIM 612712.
RDH12-related disorder. Also called: RDH12-related disorders; RDH12-related condition.

Submissions (3):

Baylor Genetics
Classification: Pathogenic for Leber congenital amaurosis 13. Last evaluated: 2024-01-23. Review status: criteria provided, single submitter. Criteria: ACMG Guidelines, 2015. Collection method: clinical testing. Allele origin: unknown.

Labcorp Genetics (formerly Invitae), Labcorp
Classification: Pathogenic for Leber congenital amaurosis 13. Last evaluated: 2024-01-13. Review status: criteria provided, single submitter. Criteria: Invitae Variant Classification Sherloc (09022015). Collection method: clinical testing. Allele origin: germline.
Comment: This sequence change creates a premature translational stop signal (p.Arg239Profs*34) in the RDH12 gene. While this is not anticipated to result in nonsense mediated decay, it is expected to disrupt the last 78 amino acid(s) of the RDH12 protein. This variant is not present in population databases (gnomAD no frequency). This premature translational stop signal has been observed in individuals with clinical features of Leber congenital amaurosis (PMID: 22065924, 30372751). This variant is also known as c.714insC or V238ins. ClinVar contains an entry for this variant (Variation ID: 865754). This variant disrupts a region of the RDH12 protein in which other variant(s) (p.Trp304*) have been determined to be pathogenic (PMID: 20736127, 24625443). This suggests that this is a clinically significant region of the protein, and that variants that disrupt it are likely to be disease-causing. For these reasons, this variant has been classified as Pathogenic.

Blueprint Genetics
Classification: Pathogenic for RDH12-related disorders. Last evaluated: 2018-08-08. Review status: criteria provided, single submitter. Criteria: ACMG Guidelines, 2015. Collection method: clinical testing. Allele origin: germline. Affected: yes. Observed: 4 variant alleles.

Literature cited by the submitters: PubMed 22065924 (cited by Labcorp Genetics (formerly Invitae), Labcorp); PubMed 30372751 (cited by Labcorp Genetics (formerly Invitae), Labcorp); PubMed 20736127 (cited by Labcorp Genetics (formerly Invitae), Labcorp); PubMed 24625443 (cited by Labcorp Genetics (formerly Invitae), Labcorp).